The following is an entry in ClinVar:

NM_000552.5(VWF):c.1077C>T (p.Pro359=)

Gene: VWF (von Willebrand factor; minus strand). Cytogenetic location: 12p13.31.
Variant type: single nucleotide variant.
Coding change: c.1077C>T on transcript NM_000552.5 (MANE Select); coding-DNA position 1077, C replaced by T.
Protein change: p.Pro359=; no amino-acid change (proline 359 retained).
Molecular consequence: synonymous variant.
Genome position (GRCh38, 1-based): chr12:6,072,363, G>A on the plus strand (C>T on the coding strand, the complement: VWF is on the minus strand). VCF-style: chr12-6072363-G-A. GRCh37 (hg19) VCF-style: chr12-6181529-G-A.
Other names: NM_000552.5(VWF):c.1077C>T; p.Pro359=; c.1077C>T (NM_000552.4).
Identifiers: ClinVar variation 310086 (VCV000310086.42), dbSNP rs71582884, ClinGen allele CA6403568.

ClinVar aggregate classification (germline): Likely benign. Review status: reviewed by expert panel (3 of 4 stars). 5 submissions from 5 submitters: Likely benign (1). 4 of the submissions do not count toward it. Last evaluated 2025-12-02.

Conditions:
VWF-related disorder. Also called: VWF-related disorders; VWF-related condition.
Hereditary von Willebrand disease. Identifiers: Orphanet 903, MedGen C5703318, MONDO:0019565. Inheritance: Autosomal recessive or Autosomal dominant.

Allele frequency attached by ClinVar (database versions not stated): TOPMed 0.00050; gnomAD 0.00053 and 0.00062; ESP Exome Variant Server 0.00062; gnomAD exomes 0.00069 and 0.00098; ExAC 0.00102; 1000 Genomes Project 30x 0.00125; 1000 Genomes Project 0.00140.
gnomAD v4.1: 1,119 of 1,614,080 alleles (0.069%); highest among the groups gnomAD compares: Middle Eastern, 0.46%; 7 homozygotes.

Submissions (5):

ClinGen von Willebrand Disease Variant Curation Expert Panel, ClinGen
Classification: Likely benign for Hereditary von Willebrand disease. Last evaluated: 2025-12-02. Review status: reviewed by expert panel. Criteria: ClinGen VWD 2A B M Rules. Collection method: curation. Allele origin: germline.
Comment: The NM_000552.5:c.1077C>T (p.Pro359=) variant is a synonymous variant that is not predicted by SpliceAI to impact splicing (BP4 & BP7). Three submitters have reported this variant to ClinVar but no phenotype details are available. There are no reports of affected cases in the literature and the variant is absent from LOVD. In summary, this variant meets the criteria to be classified as likely benign for hereditary von Willebrand disease based on the ACMG/AMP criteria applied, as specified by the ClinGen VWD VCEP: BP4, BP7. (VCEP specifications version 1)

PreventionGenetics, part of Exact Sciences
Classification: Likely benign for VWF-related condition. Last evaluated: 2026-06-28. Review status: criteria provided, single submitter. Criteria: ACMG Guidelines, 2015. Collection method: clinical testing. Allele origin: germline. Not counted in ClinVar's aggregate classification.
Comment: This variant is classified as likely benign based on ACMG/AMP sequence variant interpretation guidelines (Richards et al. 2015 PMID: 25741868, with internal and published modifications).

Blueprint Genetics
Classification: Likely benign. Last evaluated: 2024-10-17. Review status: criteria provided, single submitter. Criteria: ACMG Guidelines, 2015. Collection method: clinical testing. Allele origin: germline. Not counted in ClinVar's aggregate classification.

Quest Diagnostics Nichols Institute San Juan Capistrano
Classification: Likely benign. Last evaluated: 2023-05-12. Review status: criteria provided, single submitter. Criteria: Quest Diagnostics criteria. Collection method: clinical testing. Allele origin: unknown. Not counted in ClinVar's aggregate classification.

CeGaT Center for Human Genetics Tuebingen
Classification: Likely benign. Last evaluated: 2022-11-01. Review status: criteria provided, single submitter. Criteria: CeGaT Center For Human Genetics Tuebingen Variant Classification Criteria Version 2. Collection method: clinical testing. Allele origin: germline. Affected: yes. Observed: 2 variant alleles. Not counted in ClinVar's aggregate classification.
Comment: VWF: BP4, BP7